The following is an entry in ClinVar:

ClinVar aggregate classification (germline): Likely pathogenic (1 of 4 stars; one submission).

Conditions:
Schneckenbecken dysplasia. Identifiers: Orphanet 3144, MedGen C0432194, MONDO:0010013, OMIM 269250.

Submission:

Juno Genomics, Hangzhou Juno Genomics, Inc
Classification: Likely pathogenic for Schneckenbecken dysplasia. Review status: criteria provided, single submitter. Criteria: ACMG Guidelines, 2015. Collection method: clinical testing. Allele origin: germline.
Comment: Null variant in a gene where loss of function (LOF) is a known mechanism of disease.;Absent from controls (or at extremely low frequency if recessive) in Genome Aggregation Database.

NM_015139.3(SLC35D1):c.582dup (p.Asp195fs)

Gene: SLC35D1 (solute carrier family 35 member D1; minus strand). Cytogenetic location: 1p31.3.
Variant type: Duplication.
Coding change: c.582dup on transcript NM_015139.3 (MANE Select); coding-DNA position 582, one base duplicated (C; older notation c.582dupC).
Protein change: p.Asp195fs; shifts the reading frame from aspartic acid 195.
Molecular consequence: frameshift variant.
Genome position (GRCh38, 1-based): chr1:67,047,319, G duplicated on the plus strand (C on the coding strand, the reverse complement: SLC35D1 is on the minus strand). VCF-style (leftmost placement, unchanged base first): chr1-67047318-C-CG. GRCh37 (hg19) VCF-style: chr1-67513001-C-CG.
Other names: short protein forms D195fs.
Identifiers: ClinVar variation 5007016 (VCV005007016.2).